The following is an entry in ClinVar:

NM_033131.4(WNT3A):c.461G>A (p.Gly154Asp)

Gene: WNT3A (Wnt family member 3A; plus strand). Cytogenetic location: 1q42.13.
Variant type: single nucleotide variant.
Coding change: c.461G>A on transcript NM_033131.4 (MANE Select); coding-DNA position 461, G replaced by A.
Protein change: p.Gly154Asp; replaces glycine 154 with aspartic acid.
Molecular consequence: missense variant.
Genome position (GRCh38, 1-based): chr1:228,050,803, G>A. VCF-style: chr1-228050803-G-A. GRCh37 (hg19) VCF-style: chr1-228238504-G-A.
Other names: short protein forms G154D.
Identifiers: ClinVar variation 3698562 (VCV003698562.2).
Genomic context (GRCh38, chr1:228,050,803, plus strand): 5'-CCATCTGTGGCTGCAGCAGCCGCCACCAGGGCTCACCAGGCAAGGGCTGGAAGTGGGGTG[G>A]CTGTAGCGAGGACATCGAGTTTGGTGGGATGGTGTCTCGGGAGTTCGCCGACGCCCGGGA-3'
Protein context (NP_149122.1, residues 144-164): GSPGKGWKWG[Gly154Asp]CSEDIEFGGM

ClinVar aggregate classification (germline): Uncertain significance (1 of 4 stars; one submission).

gnomAD v4.1: 5 of 1,613,736 alleles (0.00031%); highest among the groups gnomAD compares: African/African-American, 0.0067%; no homozygotes.

Submission:

Labcorp Genetics (formerly Invitae), Labcorp
Classification: Uncertain significance. Last evaluated: 2024-08-23. Review status: criteria provided, single submitter. Criteria: Invitae Variant Classification Sherloc (09022015). Collection method: clinical testing. Allele origin: germline.
Comment: This sequence change replaces glycine, which is neutral and non-polar, with aspartic acid, which is acidic and polar, at codon 154 of the WNT3A protein (p.Gly154Asp). This variant is present in population databases (no rsID available, gnomAD 0.01%). This variant has not been reported in the literature in individuals affected with WNT3A-related conditions. Invitae Evidence Modeling of protein sequence and biophysical properties (such as structural, functional, and spatial information, amino acid conservation, physicochemical variation, residue mobility, and thermodynamic stability) indicates that this missense variant is expected to disrupt WNT3A protein function with a positive predictive value of 80%. In summary, the available evidence is currently insufficient to determine the role of this variant in disease. Therefore, it has been classified as a Variant of Uncertain Significance.